The following is an entry in ClinVar:

ClinVar aggregate classification (germline): Uncertain significance. Review status: criteria provided, multiple submitters, no conflicts (2 of 4 stars). 3 submissions from 3 submitters: Uncertain significance (3). Last evaluated 2025-06-06.

Conditions:
Intellectual developmental disorder, autosomal recessive 61. Also called: ALWADEI SYNDROME; Intellectual disability, autosomal recessive 61; MENTAL RETARDATION, AUTOSOMAL RECESSIVE 61. Identifiers: MedGen C4540424, MONDO:0030915, OMIM 617773.

Allele frequency attached by ClinVar (database versions not stated): gnomAD 0.00002; gnomAD exomes 0.00002; ExAC 0.00003; TOPMed 0.00003.
gnomAD v4.1: 24 of 1,613,828 alleles (0.0015%); highest among the groups gnomAD compares: African/African-American, 0.013%; 1 homozygote.

Submissions (3):

Ambry Genetics
Classification: Uncertain significance. Last evaluated: 2025-06-06. Review status: criteria provided, single submitter. Criteria: Ambry Variant Classification Scheme 2023. Collection method: clinical testing. Allele origin: germline.

Labcorp Genetics (formerly Invitae), Labcorp
Classification: Uncertain significance. Last evaluated: 2024-10-16. Review status: criteria provided, single submitter. Criteria: Invitae Variant Classification Sherloc (09022015). Collection method: clinical testing. Allele origin: germline.
Comment: This sequence change replaces arginine, which is basic and polar, with tryptophan, which is neutral and slightly polar, at codon 583 of the RUSC2 protein (p.Arg583Trp). This variant is present in population databases (rs756124282, gnomAD 0.007%). This variant has not been reported in the literature in individuals affected with RUSC2-related conditions. ClinVar contains an entry for this variant (Variation ID: 1031866). An algorithm developed to predict the effect of missense changes on protein structure and function (PolyPhen-2) suggests that this variant is likely to be disruptive. In summary, the available evidence is currently insufficient to determine the role of this variant in disease. Therefore, it has been classified as a Variant of Uncertain Significance.

Baylor Genetics
Classification: Uncertain significance for Intellectual developmental disorder, autosomal recessive 61. Last evaluated: 2018-09-28. Review status: criteria provided, single submitter. Criteria: ACMG Guidelines, 2015. Collection method: clinical testing. Allele origin: unknown. Affected: yes.
Comment: This variant was determined to be of uncertain significance according to ACMG Guidelines, 2015 [PMID:25741868].

NM_014806.5(RUSC2):c.1747C>T (p.Arg583Trp)

Gene: RUSC2 (RUN and SH3 domain containing 2; plus strand). Cytogenetic location: 9p13.3.
Variant type: single nucleotide variant.
Coding change: c.1747C>T on transcript NM_014806.5 (MANE Select); coding-DNA position 1747, C replaced by T.
Protein change: p.Arg583Trp; replaces arginine 583 with tryptophan.
Molecular consequence: missense variant. On other transcripts: intron variant (1).
Genome position (GRCh38, 1-based): chr9:35,548,268, C>T. VCF-style: chr9-35548268-C-T. GRCh37 (hg19) VCF-style: chr9-35548265-C-T.
Other names: c.1747C>T, p.Arg583Trp (NM_001135999.2); c.-620-6792C>T (NM_001330740.2); short protein forms R583W.
Identifiers: ClinVar variation 1031866 (VCV001031866.6), dbSNP rs756124282, ClinGen allele CA5043720.
Genomic context (GRCh38, chr9:35,548,268, plus strand): 5'-CGTGTGAGTGTTGGGGACTCCTCCCAGGAGTTCTCACCCATCCAAGAAGCCCAGCAAGAT[C>T]GGGGGGCCCCACTGGATGAGGGCACTTGCTGTAGCCATAGCCTGCCACCCATGCCTTTGG-3'
Protein context (NP_055621.2, residues 573-593): FSPIQEAQQD[Arg583Trp]GAPLDEGTCC